The following is an entry in ClinVar:

NM_001267550.2(TTN):c.91923_91932del (p.Trp30641fs)

Genes: TTN-AS1 (TTN antisense RNA 1; plus strand), TTN (titin; minus strand). Cytogenetic location: 2q31.2.
Variant type: Deletion.
Coding change: c.91923_91932del on transcript NM_001267550.2 (MANE Select); coding-DNA positions 91923 to 91932, 10 bases deleted (GGATGCCCCA; older notation c.91923_91932delGGATGCCCCA).
Protein change: p.Trp30641fs; shifts the reading frame from tryptophan 30641.
Molecular consequence: frameshift variant.
Genome position (GRCh38, 1-based): chr2:178,549,790-178,549,799, TGGGGCATCC deleted on the plus strand (GGATGCCCCA on the coding strand, the reverse complement: TTN is on the minus strand). VCF-style (leftmost placement, unchanged base first): chr2-178549789-GTGGGGCATCC-G. GRCh37 (hg19) VCF-style: chr2-179414516-GTGGGGCATCC-G.
Other names: c.87000_87009del, p.Trp29000fs (NM_001256850.1); c.64728_64737del, p.Trp21576fs (NM_003319.4); c.84219_84228del, p.Trp28073fs (NM_133378.4); c.65103_65112del, p.Trp21701fs (NM_133432.3); c.65304_65313del, p.Trp21768fs (NM_133437.4); short protein forms W21576fs, W21701fs, W21768fs, W28073fs, W29000fs, W30641fs.
Identifiers: ClinVar variation 3759956 (VCV003759956.2).

ClinVar aggregate classification (germline): Likely pathogenic (1 of 4 stars; one submission).

Conditions:
Dilated cardiomyopathy 1G (CMD1G). Identifiers: Orphanet 154, MedGen C1858763, MONDO:0011400, OMIM 604145.
Autosomal recessive limb-girdle muscular dystrophy type 2J (LGMDR10). Also called: Limb-girdle muscular dystrophy, type 2J; MUSCULAR DYSTROPHY, LIMB-GIRDLE, AUTOSOMAL RECESSIVE 10. Identifiers: Orphanet 140922, MedGen C1837342, MONDO:0012127, OMIM 608807.

Submission:

Labcorp Genetics (formerly Invitae), Labcorp
Classification: Likely pathogenic for Dilated cardiomyopathy 1G; Autosomal recessive limb-girdle muscular dystrophy type 2J. Last evaluated: 2024-12-03. Review status: criteria provided, single submitter. Criteria: Invitae Variant Classification Sherloc (09022015). Collection method: clinical testing. Allele origin: germline.
Comment: This sequence change creates a premature translational stop signal (p.Trp30641Cysfs*9) in the TTN gene. While this is not anticipated to result in nonsense mediated decay, it is expected to create a truncated TTN protein. This variant is not present in population databases (gnomAD no frequency). This premature translational stop signal has been observed in individual(s) with clinical features of dilated cardiomyopathy (internal data). This variant is located in the A band of TTN (PMID: 25589632). Truncating variants in this region are significantly overrepresented in patients affected with dilated cardiomyopathy (PMID: 25589632). Truncating variants in this region have also been reported in individuals affected with autosomal recessive centronuclear myopathy (PMID: 23975875). In summary, the currently available evidence indicates that the variant is pathogenic, but additional data are needed to prove that conclusively. Therefore, this variant has been classified as Likely Pathogenic.

Literature cited by the submitters: PubMed 25589632; PubMed 23975875.